The following is an entry in ClinVar:

NM_001355436.2(SPTB):c.4512C>T (p.Ala1504=)

Gene: SPTB (spectrin beta, erythrocytic; minus strand). Cytogenetic location: 14q23.3.
Variant type: single nucleotide variant.
Coding change: c.4512C>T on transcript NM_001355436.2 (MANE Select); coding-DNA position 4512, C replaced by T.
Protein change: p.Ala1504=; no amino-acid change (alanine 1504 retained).
Molecular consequence: synonymous variant.
Genome position (GRCh38, 1-based): chr14:64,779,208, G>A on the plus strand (C>T on the coding strand, the complement: SPTB is on the minus strand). VCF-style: chr14-64779208-G-A. GRCh37 (hg19) VCF-style: chr14-65245926-G-A.
Other names: c.4512C>T, p.Ala1504= (NM_001024858.4, NM_001355437.2); c.4512C>T (NM_001024858.2).
Identifiers: ClinVar variation 2760353 (VCV002760353.5), dbSNP rs202093517, ClinGen allele CA7230287.

ClinVar aggregate classification (germline): Likely benign. Review status: criteria provided, multiple submitters, no conflicts (2 of 4 stars). 3 submissions from 3 submitters: Likely benign (3). Last evaluated 2026-06-03.

Conditions:
SPTB-related disorder. Also called: SPTB-related condition; SPTB-Related Disorders.

Allele frequency attached by ClinVar (database versions not stated): gnomAD 0.00008; TOPMed 0.00008; 1000 Genomes Project 0.00020; 1000 Genomes Project 30x 0.00031.
gnomAD v4.1: 61 of 1,613,920 alleles (0.0038%); highest among the groups gnomAD compares: Admixed American, 0.033%; 2 homozygotes.

Submissions (3):

PreventionGenetics, part of Exact Sciences
Classification: Likely benign for SPTB-related condition. Last evaluated: 2026-06-03. Review status: criteria provided, single submitter. Criteria: ACMG Guidelines, 2015. Collection method: clinical testing. Allele origin: germline.
Comment: This variant is classified as likely benign based on ACMG/AMP sequence variant interpretation guidelines (Richards et al. 2015 PMID: 25741868, with internal and published modifications).

Labcorp Genetics (formerly Invitae), Labcorp
Classification: Likely benign. Last evaluated: 2024-12-24. Review status: criteria provided, single submitter. Criteria: Invitae Variant Classification Sherloc (09022015). Collection method: clinical testing. Allele origin: germline.

Blueprint Genetics
Classification: Likely benign. Last evaluated: 2024-10-25. Review status: criteria provided, single submitter. Criteria: ACMG Guidelines, 2015. Collection method: clinical testing. Allele origin: germline.